The following is an entry in ClinVar:

ClinVar aggregate classification (germline): Uncertain significance (1 of 4 stars; one submission).

Conditions:
WFS1-related disorder. Identifiers: MedGen CN379391, MONDO:0700293.

gnomAD v4.1: 3 of 1,614,078 alleles (0.00019%); highest among the groups gnomAD compares: Non-Finnish European, 0.00025%; no homozygotes.

Submission:

PreventionGenetics, part of Exact Sciences
Classification: Uncertain significance for WFS1-related condition. Last evaluated: 2024-12-20. Review status: criteria provided, single submitter. Criteria: ACMG Guidelines, 2015. Collection method: clinical testing. Allele origin: germline.
Comment: The WFS1 c.1841C>G variant is predicted to result in the amino acid substitution p.Thr614Ser. To our knowledge, this variant has not been reported in the literature. This variant is reported in 0.00088% of alleles in individuals of European (Non-Finnish) descent in gnomAD. At this time, the clinical significance of this variant is uncertain due to the absence of conclusive functional and genetic evidence.

NM_006005.3(WFS1):c.1841C>G (p.Thr614Ser)

Gene: WFS1 (wolframin ER transmembrane glycoprotein; plus strand). Cytogenetic location: 4p16.1.
Variant type: single nucleotide variant.
Coding change: c.1841C>G on transcript NM_006005.3 (MANE Select); coding-DNA position 1841, C replaced by G.
Protein change: p.Thr614Ser; replaces threonine 614 with serine.
Molecular consequence: missense variant.
Genome position (GRCh38, 1-based): chr4:6,301,636, C>G. VCF-style: chr4-6301636-C-G. GRCh37 (hg19) VCF-style: chr4-6303363-C-G.
Other names: c.1841C>G, p.Thr614Ser (NM_001145853.1); short protein forms T614S.
Identifiers: ClinVar variation 4997595 (VCV004997595.1).